The following is an entry in ClinVar:

NM_024741.3(ZNF408):c.1564C>T (p.Arg522Cys)

Gene: ZNF408 (zinc finger protein 408; plus strand). Cytogenetic location: 11p11.2.
Variant type: single nucleotide variant.
Coding change: c.1564C>T on transcript NM_024741.3 (MANE Select); coding-DNA position 1564, C replaced by T.
Protein change: p.Arg522Cys; replaces arginine 522 with cysteine.
Molecular consequence: missense variant.
Genome position (GRCh38, 1-based): chr11:46,705,264, C>T. VCF-style: chr11-46705264-C-T. GRCh37 (hg19) VCF-style: chr11-46726814-C-T.
Other names: c.1540C>T, p.Arg514Cys (NM_001184751.2); short protein forms R522C, R514C.
Identifiers: ClinVar variation 3475708 (VCV003475708.3).

ClinVar aggregate classification (germline): Uncertain significance. Review status: criteria provided, multiple submitters, no conflicts (2 of 4 stars). 3 submissions from 3 submitters: Uncertain significance (3). Last evaluated 2025-11-21.

Conditions:
Inborn genetic diseases. Identifiers: MedGen C0950123, MeSH D030342.

Submissions (3):

Labcorp Genetics (formerly Invitae), Labcorp
Classification: Uncertain significance. Last evaluated: 2025-11-21. Review status: criteria provided, single submitter. Criteria: Invitae Variant Classification Sherloc (09022015). Collection method: clinical testing. Allele origin: germline.
Comment: This sequence change replaces arginine, which is basic and polar, with cysteine, which is neutral and slightly polar, at codon 522 of the ZNF408 protein (p.Arg522Cys). This variant is present in population databases (no rsID available, gnomAD 0.01%). This variant has not been reported in the literature in individuals affected with ZNF408-related conditions. ClinVar contains an entry for this variant (Variation ID: 3475708). An algorithm developed to predict the effect of missense changes on protein structure and function (PolyPhen-2) suggests that this variant is likely to be disruptive. In summary, the available evidence is currently insufficient to determine the role of this variant in disease. Therefore, it has been classified as a Variant of Uncertain Significance.

Ambry Genetics
Classification: Uncertain significance for Inborn genetic diseases. Last evaluated: 2024-09-03. Review status: criteria provided, single submitter. Criteria: Ambry Variant Classification Scheme 2023. Collection method: clinical testing. Allele origin: germline.

Blueprint Genetics
Classification: Uncertain significance. Last evaluated: 2023-01-05. Review status: criteria provided, single submitter. Criteria: ACMG Guidelines, 2015. Collection method: clinical testing. Allele origin: germline.